The following is an entry in ClinVar:

ClinVar aggregate classification (germline): Pathogenic (1 of 4 stars; one submission).

Submission:

Quest Diagnostics Nichols Institute San Juan Capistrano
Classification: Pathogenic. Last evaluated: 2025-06-11. Review status: criteria provided, single submitter. Criteria: ACMG/ClinGen CNV Guidelines, 2019. Collection method: clinical testing. Allele origin: unknown.
Comment: This 8q24.13q24.3 duplication involves at least 128 protein-coding genes. Terminal 8q duplications have been reported in individuals with various phenotypes (Bonaglia 2005, Chen 2024, Firth 2009, Hilger 2013, Mergener 2024, Sharma 2013, Sun 2021, Touhami 2023, Yue 2021). There are no similar copy number gains of this region in the general populations of the Database of Genomic Variants. Therefore, this duplication is classified as pathogenic. References: Bonaglia et al., Eur J Hum Genet. 2005 May;13(5):586-91. PMID: 15657611 Chen et al., Taiwan J Obstet Gynecol. 2024 Nov;63(6):922-926. PMID: 39482005 Firth et al., Am J Hum Genet. 2009 Apr;84(4):524-33. PMID: 19344873 Hilger et al., Eur J Hum Genet. 2013 Dec;21(12):1377-82. PMID: 23549274 Mergener et al., Genes (Basel). 2024 Jul 12;15(7):910. PMID: 39062689 Sharma et al., J Pediatr Genet. 2013 Sep;2(3):163-9. PMID: 27625854 Sun et al., Public Health Genomics. 2021;24(5-6):218-228. PMID: 34265769 Touhami et al., Front Genet. 2023 Jan 9:13:1061539. PMID: 36778913 Yue et al., Taiwan J Obstet Gynecol. 2021 Nov;60(6):1126-1133. PMID: 34794751

GRCh37/hg19 8q24.13-24.3(chr8:126446968-146295771)x3

Genes: ADCK5 (aarF domain containing kinase 5; plus strand), ADCY8 (adenylate cyclase 8; minus strand), ADGRB1 (adhesion G protein-coupled receptor B1; plus strand), AGO2 (argonaute RISC catalytic component 2; minus strand), ARC (activity regulated cytoskeleton associated protein; minus strand) and 121 more. Cytogenetic location: 8q24.13-24.3.
Variant type: copy number gain.
Change: copy number 3 (three copies instead of two) of chr8:126,446,968-146,295,771 (19.85 Mb, GRCh37 coordinates, 1-based), cytogenetic band 8q24.13-24.3.
Identifiers: ClinVar variation 4682719 (VCV004682719.1).